The following is an entry in ClinVar:

ClinVar aggregate classification (germline): Uncertain significance (1 of 4 stars; one submission).

Conditions:
Hereditary cancer-predisposing syndrome. Also called: Hereditary Cancer Syndrome; Hereditary neoplastic syndrome; Neoplastic Syndromes, Hereditary; Tumor predisposition. Identifiers: Orphanet 140162, MedGen C0027672, MeSH D009386, MONDO:0015356.

Submission:

Ambry Genetics
Classification: Uncertain significance for Hereditary cancer-predisposing syndrome. Last evaluated: 2025-06-02. Review status: criteria provided, single submitter. Criteria: Ambry Variant Classification Scheme 2023. Collection method: clinical testing. Allele origin: germline.
Comment: The p.Y416C variant (also known as c.1247A>G), located in coding exon 9 of the APC gene, results from an A to G substitution at nucleotide position 1247. The tyrosine at codon 416 is replaced by cysteine, an amino acid with highly dissimilar properties. This amino acid position is conserved. In addition, in silico predictors for this gene do not accurately predict pathogenicity. Based on the available evidence, the clinical significance of this variant remains unclear.

NM_000038.6(APC):c.1247A>G (p.Tyr416Cys)

Gene: APC (APC regulator of Wnt signaling pathway; plus strand). Cytogenetic location: 5q22.2.
Variant type: single nucleotide variant.
Coding change: c.1247A>G on transcript NM_000038.6 (MANE Select); coding-DNA position 1247, A replaced by G.
Protein change: p.Tyr416Cys; replaces tyrosine 416 with cysteine.
Molecular consequence: missense variant. On other transcripts: non-coding transcript variant (2).
Genome position (GRCh38, 1-based): chr5:112,819,279, A>G. VCF-style: chr5-112819279-A-G. GRCh37 (hg19) VCF-style: chr5-112154976-A-G.
Other names: c.1247A>G, p.Tyr416Cys (NM_001127510.3, NM_001354895.2, NM_001354896.2 and 4 more transcripts); c.1193A>G, p.Tyr398Cys (NM_001127511.3); c.1277A>G, p.Tyr426Cys (NM_001354897.2, NM_001407446.1); c.1172A>G, p.Tyr391Cys (NM_001354898.2, NM_001407451.1); c.1163A>G, p.Tyr388Cys (NM_001354899.2, NM_001407452.1); c.1070A>G, p.Tyr357Cys (NM_001354900.2, NM_001354901.2, NM_001407453.1); c.974A>G, p.Tyr325Cys (NM_001354902.2); c.944A>G, p.Tyr315Cys (NM_001354903.2, NM_001407454.1, NM_001407455.1 and 5 more transcripts); and 5 more; short protein forms Y416C, Y256C, Y287C, Y388C, Y391C, Y398C, Y426C, Y290C.
Identifiers: ClinVar variation 3929852 (VCV003929852.1).